The following is an entry in ClinVar:

ClinVar aggregate classification (germline): Conflicting classifications of pathogenicity. Review status: criteria provided, conflicting classifications (1 of 4 stars). 3 submissions from 3 submitters: Uncertain significance (2); Likely benign (1). Last evaluated 2025-11-03.

Conditions:
Arrhythmogenic cardiomyopathy with wooly hair and keratoderma. Also called: Dilated cardiomyopathy with woolly hair and keratoderma; PALMOPLANTAR KERATODERMA WITH LEFT VENTRICULAR CARDIOMYOPATHY AND WOOLLY HAIR; Arrhythmogenic cardiomyopathy with woolly hair and keratoderma; Carvajal syndrome. Identifiers: Orphanet 65282, MedGen C1854063, MONDO:0011581, OMIM 605676.
Arrhythmogenic right ventricular dysplasia 8 (ARVD8). Also called: Arrhythmogenic Right Ventricular Dysplasia/Cardiomyopathy 8; ARRHYTHMOGENIC RIGHT VENTRICULAR DYSPLASIA, FAMILIAL, 8; ARRHYTHMOGENIC RIGHT VENTRICULAR CARDIOMYOPATHY 8. Identifiers: MedGen C1843896, MONDO:0011831, OMIM 607450.
Cardiomyopathy (CMYO). Also called: Cardiomyopathies. Identifiers: Orphanet 167848, MedGen C0878544, MONDO:0004994, HP:0001638. Inheritance: Various modes of inheritance.

Allele frequency attached by ClinVar (database versions not stated): gnomAD 0.00001; 1000 Genomes Project 0.00020; gnomAD exomes below 0.00001; 1000 Genomes Project 30x 0.00031.
gnomAD v4.1: 5 of 1,613,872 alleles (0.00031%); highest among the groups gnomAD compares: South Asian, 0.0055%; no homozygotes.

Submissions (3):

Color Diagnostics, LLC DBA Color Health
Classification: Uncertain significance for Cardiomyopathy. Last evaluated: 2025-11-03. Review status: criteria provided, single submitter. Criteria: ACMG Guidelines, 2015. Collection method: clinical testing. Allele origin: germline.
Comment: This missense variant replaces glutamic acid with lysine at codon 1785 of the DSP protein. Computational prediction suggests that this variant may not impact protein structure and function. To our knowledge, functional studies have not been reported for this variant. This variant has not been reported in individuals affected with DSP-related disorders in the literature. This variant has been identified in 5/1613872 chromosomes in the general population by the Genome Aggregation Database (gnomAD). The available evidence is insufficient to determine the role of this variant in disease conclusively. Therefore, this variant is classified as a Variant of Uncertain Significance.

Labcorp Genetics (formerly Invitae), Labcorp
Classification: Likely benign for Arrhythmogenic cardiomyopathy with wooly hair and keratoderma; Arrhythmogenic right ventricular dysplasia 8. Last evaluated: 2022-12-06. Review status: criteria provided, single submitter. Criteria: Invitae Variant Classification Sherloc (09022015). Collection method: clinical testing. Allele origin: germline.

Stanford Center for Inherited Cardiovascular Disease, Stanford University
Classification: Uncertain significance. Last evaluated: 2017-05-16. Review status: criteria provided, single submitter. Criteria: ACMG Guidelines, 2015. Collection method: provider interpretation. Allele origin: germline.

NM_004415.4(DSP):c.5353G>A (p.Glu1785Lys)

Gene: DSP (desmoplakin; plus strand). Cytogenetic location: 6p24.3.
Variant type: single nucleotide variant.
Coding change: c.5353G>A on transcript NM_004415.4 (MANE Select); coding-DNA position 5353, G replaced by A.
Protein change: p.Glu1785Lys; replaces glutamic acid 1785 with lysine.
Molecular consequence: missense variant. On other transcripts: intron variant (2).
Genome position (GRCh38, 1-based): chr6:7,581,543, G>A. VCF-style: chr6-7581543-G-A. GRCh37 (hg19) VCF-style: chr6-7581776-G-A.
Other names: c.4051-1099G>A (NM_001319034.2); c.3583-1099G>A (NM_001008844.3); c.5353G>A (LRG_423t1); short protein forms E1785K.
Identifiers: ClinVar variation 465897 (VCV000465897.13), dbSNP rs528041468, ClinGen allele CA133971045.